The following is an entry in ClinVar:

ClinVar aggregate classification (germline): Benign. Review status: criteria provided, multiple submitters, no conflicts (2 of 4 stars). 5 submissions from 5 submitters: Benign (5). Last evaluated 2026-01-18.

Conditions:
Cataract 18 (CATC2). Also called: CATARACT 18, AUTOSOMAL RECESSIVE. Identifiers: Orphanet 91492, Orphanet 98991, Orphanet 98992, Orphanet 98995, MedGen C1864908, MONDO:0012395, OMIM 610019.

Allele frequency attached by ClinVar (database versions not stated): ESP Exome Variant Server 0.00077; gnomAD 0.00410 and 0.00424; 1000 Genomes Project 0.00759; TOPMed 0.00804; 1000 Genomes Project 30x 0.00843; ExAC 0.00937.
gnomAD v4.1: 4,576 of 1,613,968 alleles (0.28%); highest among the groups gnomAD compares: Admixed American, 7.1%; 193 homozygotes.

Submissions (7):

Labcorp Genetics (formerly Invitae), Labcorp
Classification: Benign for Cataract 18. Last evaluated: 2026-01-18. Review status: criteria provided, single submitter. Criteria: Invitae Variant Classification Sherloc (09022015). Collection method: clinical testing. Allele origin: germline.

GeneDx
Classification: Benign. Last evaluated: 2018-05-10. Review status: criteria provided, single submitter. Criteria: GeneDx Variant Classification (06012015). Collection method: clinical testing. Allele origin: germline. Affected: yes.
Comment: This variant is considered likely benign or benign based on one or more of the following criteria: it is a conservative change, it occurs at a poorly conserved position in the protein, it is predicted to be benign by multiple in silico algorithms, and/or has population frequency not consistent with disease.

Illumina Laboratory Services, Illumina
Classification: Benign for Cataract 18. Last evaluated: 2018-01-12. Review status: criteria provided, single submitter. Criteria: ICSL Variant Classification Criteria 13 December 2019. Collection method: clinical testing. Allele origin: germline.
Comment: This variant was observed in the ICSL laboratory as part of a predisposition screen in an ostensibly healthy population. It had not been previously curated by ICSL or reported in the Human Gene Mutation Database (HGMD: prior to June 1st, 2018), and was therefore a candidate for classification through an automated scoring system. Utilizing variant allele frequency, disease prevalence and penetrance estimates, and inheritance mode, an automated score was calculated to assess if this variant is too frequent to cause the disease. Based on the score and internal cut-off values, a variant classified as benign is not then subjected to further curation. The score for this variant resulted in a classification of benign for this disease.

Breakthrough Genomics
Classification: Benign. Review status: criteria provided, single submitter. Criteria: ACMG Guidelines, 2015. Collection method: not provided. Allele origin: germline. Inheritance: Autosomal recessive inheritance. Affected: yes.

PreventionGenetics, part of Exact Sciences
Classification: Benign. Review status: criteria provided, single submitter. Criteria: ACMG Guidelines, 2015. Collection method: clinical testing. Allele origin: germline.

Dr. Peter K. Rogan Lab, Western University
No classification provided (evidence only). Condition: Cervical cancer. Review status: no classification provided. Collection method: in vitro. Allele origin: not applicable. Functional consequence: retained intron. Not counted in ClinVar's aggregate classification.

Dr. Peter K. Rogan Lab, Western University
No classification provided (evidence only). Condition: Thyroid cancer, nonmedullary, 1. Review status: no classification provided. Collection method: in vitro. Allele origin: not applicable. Functional consequence: retained intron. Not counted in ClinVar's aggregate classification.

NM_024513.4(FYCO1):c.4086G>A (p.Glu1362=)

Gene: FYCO1 (FYVE and coiled-coil domain autophagy adaptor 1; minus strand). Cytogenetic location: 3p21.31.
Variant type: single nucleotide variant.
Coding change: c.4086G>A on transcript NM_024513.4 (MANE Select); coding-DNA position 4086, G replaced by A.
Protein change: p.Glu1362=; no amino-acid change (glutamic acid 1362 retained).
Molecular consequence: synonymous variant.
Genome position (GRCh38, 1-based): chr3:45,931,236, C>T on the plus strand (G>A on the coding strand, the complement: FYCO1 is on the minus strand). VCF-style: chr3-45931236-C-T. GRCh37 (hg19) VCF-style: chr3-45972728-C-T.
Identifiers: ClinVar variation 261735 (VCV000261735.17), dbSNP rs137986696, ClinGen allele CA2352389.